The following is an entry in ClinVar:

ClinVar aggregate classification (germline): Likely benign. Review status: criteria provided, multiple submitters, no conflicts (2 of 4 stars). 2 submissions from 2 submitters: Likely benign (2). Last evaluated 2025-04-25.

Conditions:
Tuberous sclerosis 1 (TSC1). Identifiers: Orphanet 805, MedGen C1854465, MONDO:0008612, OMIM 191100.

Submissions (2):

Myriad Genetics, Inc.
Classification: Likely benign for Tuberous sclerosis 1. Last evaluated: 2025-04-25. Review status: criteria provided, single submitter. Criteria: Myriad Autosomal Dominant, Autosomal Recessive and X-Linked Classification Criteria (2023). Collection method: clinical testing. Allele origin: unknown.
Comment: This variant is considered likely benign. This variant is intronic and is not expected to impact mRNA splicing.

Labcorp Genetics (formerly Invitae), Labcorp
Classification: Likely benign for Tuberous sclerosis 1. Last evaluated: 2024-09-06. Review status: criteria provided, single submitter. Criteria: Invitae Variant Classification Sherloc (09022015). Collection method: clinical testing. Allele origin: germline.

NM_000368.5(TSC1):c.2392-17C>T

Gene: TSC1 (TSC complex subunit 1; minus strand). Cytogenetic location: 9q34.13.
Variant type: single nucleotide variant.
Coding change: c.2392-17C>T on transcript NM_000368.5 (MANE Select); 17 bases into the intron before coding-DNA position 2392, C replaced by T.
Molecular consequence: intron variant.
Genome position (GRCh38, 1-based): chr9:132,901,716, G>A on the plus strand (C>T on the coding strand, the complement: TSC1 is on the minus strand). VCF-style: chr9-132901716-G-A. GRCh37 (hg19) VCF-style: chr9-135777103-G-A.
Other names: c.2029-17C>T (NM_001362177.2); c.2239-17C>T (NM_001162427.2); c.2389-17C>T (NM_001162426.2).
Identifiers: ClinVar variation 1548562 (VCV001548562.9), dbSNP rs2131711576, ClinGen allele CA2573144223.